The following is an entry in ClinVar:

ClinVar aggregate classification (germline): Conflicting classifications of pathogenicity. Review status: criteria provided, conflicting classifications (1 of 4 stars). 2 submissions from 2 submitters: Uncertain significance (1); Likely benign (1). Last evaluated 2024-01-01.

Conditions:
Donnai-Barrow syndrome. Also called: DBS/FOAR SYNDROME; FACIOOCULOACOUSTICORENAL SYNDROME. Identifiers: Orphanet 2143, MedGen C1857277, MONDO:0009104, OMIM 222448.

gnomAD v4.1: 2 of 1,613,374 alleles (0.00012%); highest among the groups gnomAD compares: Admixed American, 0.0017%; no homozygotes.

Submissions (2):

Daryl Scott Lab, Baylor College of Medicine
Classification: Uncertain significance for Donnai-Barrow syndrome. Last evaluated: 2024-01-01. Review status: criteria provided, single submitter. Criteria: ACMG Guidelines, 2015. Collection method: clinical testing. Allele origin: paternal. Observed: 1 heterozygote.
Comment: PM2, BP4

Labcorp Genetics (formerly Invitae), Labcorp
Classification: Likely benign. Last evaluated: 2023-06-20. Review status: criteria provided, single submitter. Criteria: Invitae Variant Classification Sherloc (09022015). Collection method: clinical testing. Allele origin: germline.

NM_004525.3(LRP2):c.1976-4C>G

Gene: LRP2 (LDL receptor related protein 2; minus strand). Cytogenetic location: 2q31.1.
Variant type: single nucleotide variant.
Coding change: c.1976-4C>G on transcript NM_004525.3 (MANE Select); 4 bases into the intron before coding-DNA position 1976, C replaced by G.
Molecular consequence: intron variant.
Genome position (GRCh38, 1-based): chr2:169,273,071, G>C on the plus strand (C>G on the coding strand, the complement: LRP2 is on the minus strand). VCF-style: chr2-169273071-G-C. GRCh37 (hg19) VCF-style: chr2-170129581-G-C.
Identifiers: ClinVar variation 3000488 (VCV003000488.3), dbSNP rs748049143, ClinGen allele CA59923975.